The following is an entry in ClinVar:

NM_018263.6(ASXL2):c.2953A>G (p.Lys985Glu)

Gene: ASXL2 (ASXL transcriptional regulator 2; minus strand). Cytogenetic location: 2p23.3.
Variant type: single nucleotide variant.
Coding change: c.2953A>G on transcript NM_018263.6 (MANE Select); coding-DNA position 2953, A replaced by G.
Protein change: p.Lys985Glu; replaces lysine 985 with glutamic acid.
Molecular consequence: missense variant.
Genome position (GRCh38, 1-based): chr2:25,743,384, T>C on the plus strand (A>G on the coding strand, the complement: ASXL2 is on the minus strand). VCF-style: chr2-25743384-T-C. GRCh37 (hg19) VCF-style: chr2-25966253-T-C.
Other names: c.2779A>G, p.Lys927Glu (NM_001369346.1); c.2173A>G, p.Lys725Glu (NM_001369347.1); short protein forms K725E, K927E, K985E.
Identifiers: ClinVar variation 1717495 (VCV001717495.5), dbSNP rs2465305242, ClinGen allele CA346079950.

ClinVar aggregate classification (germline): Uncertain significance (1 of 4 stars; one submission).

Submission:

Labcorp Genetics (formerly Invitae), Labcorp
Classification: Uncertain significance. Last evaluated: 2022-09-15. Review status: criteria provided, single submitter. Criteria: Invitae Variant Classification Sherloc (09022015). Collection method: clinical testing. Allele origin: germline.
Comment: Advanced modeling of protein sequence and biophysical properties (such as structural, functional, and spatial information, amino acid conservation, physicochemical variation, residue mobility, and thermodynamic stability) performed at Invitae indicates that this missense variant is not expected to disrupt ASXL2 protein function. In summary, the available evidence is currently insufficient to determine the role of this variant in disease. Therefore, it has been classified as a Variant of Uncertain Significance. This variant has not been reported in the literature in individuals affected with ASXL2-related conditions. This sequence change replaces lysine, which is basic and polar, with glutamic acid, which is acidic and polar, at codon 985 of the ASXL2 protein (p.Lys985Glu). This variant is not present in population databases (gnomAD no frequency).